The following is an entry in ClinVar:

ClinVar aggregate classification (germline): Uncertain significance (1 of 4 stars; one submission).

Conditions:
Congenital myasthenic syndrome 8. Also called: MYASTHENIC SYNDROME, CONGENITAL, DUE TO AGRIN DEFICIENCY; Myasthenic syndrome, congenital, 8, with pre- and postsynaptic defects. Identifiers: Orphanet 590, MedGen C3808739, MONDO:0014052, OMIM 615120.

Allele frequency attached by ClinVar (database versions not stated): TOPMed below 0.00001.

Submission:

Labcorp Genetics (formerly Invitae), Labcorp
Classification: Uncertain significance for Congenital myasthenic syndrome 8. Last evaluated: 2026-01-19. Review status: criteria provided, single submitter. Criteria: Invitae Variant Classification Sherloc (09022015). Collection method: clinical testing. Allele origin: germline.
Comment: This sequence change replaces glycine, which is neutral and non-polar, with glutamic acid, which is acidic and polar, at codon 29 of the AGRN protein (p.Gly29Glu). This variant is not present in population databases (gnomAD no frequency). This variant has not been reported in the literature in individuals affected with AGRN-related conditions. ClinVar contains an entry for this variant (Variation ID: 1413475). Experimental studies and prediction algorithms are not available or were not evaluated, and the functional significance of this variant is currently unknown. In summary, the available evidence is currently insufficient to determine the role of this variant in disease. Therefore, it has been classified as a Variant of Uncertain Significance.

NM_198576.4(AGRN):c.86G>A (p.Gly29Glu)

Gene: AGRN (agrin; plus strand). Cytogenetic location: 1p36.33.
Variant type: single nucleotide variant.
Coding change: c.86G>A on transcript NM_198576.4 (MANE Select); coding-DNA position 86, G replaced by A.
Protein change: p.Gly29Glu; replaces glycine 29 with glutamic acid.
Molecular consequence: missense variant.
Genome position (GRCh38, 1-based): chr1:1,020,258, G>A. VCF-style: chr1-1020258-G-A. GRCh37 (hg19) VCF-style: chr1-955638-G-A.
Other names: c.86G>A, p.Gly29Glu (NM_001305275.2); short protein forms G29E.
Identifiers: ClinVar variation 1413475 (VCV001413475.6), dbSNP rs1224863987, ClinGen allele CA337809986.